The following is an entry in ClinVar:

NM_001365999.1(SZT2):c.9821G>A (p.Arg3274His)

Genes: SZT2-AS1 (SZT2 antisense RNA 1; minus strand), SZT2 (SZT2 subunit of KICSTOR complex; plus strand). Cytogenetic location: 1p34.2.
Variant type: single nucleotide variant.
Coding change: c.9821G>A on transcript NM_001365999.1 (MANE Select); coding-DNA position 9821, G replaced by A.
Protein change: p.Arg3274His; replaces arginine 3274 with histidine.
Molecular consequence: missense variant. On other transcripts: non-coding transcript variant (1).
Genome position (GRCh38, 1-based): chr1:43,448,336, G>A. VCF-style: chr1-43448336-G-A. GRCh37 (hg19) VCF-style: chr1-43914007-G-A.
Other names: c.9650G>A, p.Arg3217His (NM_015284.4); short protein forms R3274H, R3217H.
Identifiers: ClinVar variation 845885 (VCV000845885.10), dbSNP rs778925811, ClinGen allele CA811016.

ClinVar aggregate classification (germline): Uncertain significance. Review status: criteria provided, multiple submitters, no conflicts (2 of 4 stars). 3 submissions from 3 submitters: Uncertain significance (3). Last evaluated 2026-02-27.

Conditions:
Inborn genetic diseases. Identifiers: MedGen C0950123, MeSH D030342.
Developmental and epileptic encephalopathy, 18 (DEE18). Also called: Early infantile epileptic encephalopathy 18. Identifiers: Orphanet 369894, MedGen C3809624, MONDO:0014201, OMIM 615476.

Allele frequency attached by ClinVar (database versions not stated): ExAC 0.00005; TOPMed 0.00001; gnomAD exomes 0.00002 and 0.00001.

Submissions (3):

Ambry Genetics
Classification: Uncertain significance for Inborn genetic diseases. Last evaluated: 2026-02-27. Review status: criteria provided, single submitter. Criteria: Ambry Variant Classification Scheme 2023. Collection method: clinical testing. Allele origin: germline.
Comment: The c.9650G>A (p.R3217H) alteration is located in exon 68 (coding exon 68) of the SZT2 gene. This alteration results from a G to A substitution at nucleotide position 9650, causing the arginine (R) at amino acid position 3217 to be replaced by a histidine (H). Based on data from gnomAD, the A allele has an overall frequency of 0.002% (3/156650) total alleles studied. The highest observed frequency was 0.023% (1/4424) of Other alleles. Based on insufficient or conflicting evidence, the clinical significance of this alteration remains unclear.

Labcorp Genetics (formerly Invitae), Labcorp
Classification: Uncertain significance. Last evaluated: 2024-10-30. Review status: criteria provided, single submitter. Criteria: Invitae Variant Classification Sherloc (09022015). Collection method: clinical testing. Allele origin: germline.
Comment: This sequence change replaces arginine, which is basic and polar, with histidine, which is basic and polar, at codon 3217 of the SZT2 protein (p.Arg3217His). This variant is present in population databases (rs778925811, gnomAD 0.009%). This variant has not been reported in the literature in individuals affected with SZT2-related conditions. ClinVar contains an entry for this variant (Variation ID: 845885). Invitae Evidence Modeling of protein sequence and biophysical properties (such as structural, functional, and spatial information, amino acid conservation, physicochemical variation, residue mobility, and thermodynamic stability) indicates that this missense variant is expected to disrupt SZT2 protein function with a positive predictive value of 80%. In summary, the available evidence is currently insufficient to determine the role of this variant in disease. Therefore, it has been classified as a Variant of Uncertain Significance.

Department of Pathology and Laboratory Medicine, Sinai Health System
Classification: Uncertain significance for Developmental and epileptic encephalopathy, 18. Last evaluated: 2023-02-24. Review status: criteria provided, single submitter. Criteria: ACMG Guidelines, 2015. Collection method: research. Allele origin: germline.